The following is an entry in ClinVar:

NM_033305.3(VPS13A):c.1556G>C (p.Ser519Thr)

Gene: VPS13A (vacuolar protein sorting 13 homolog A; plus strand). Cytogenetic location: 9q21.2.
Variant type: single nucleotide variant.
Coding change: c.1556G>C on transcript NM_033305.3 (MANE Select); coding-DNA position 1556, G replaced by C.
Protein change: p.Ser519Thr; replaces serine 519 with threonine.
Molecular consequence: missense variant.
Genome position (GRCh38, 1-based): chr9:77,228,225, G>C. VCF-style: chr9-77228225-G-C. GRCh37 (hg19) VCF-style: chr9-79843141-G-C.
Other names: c.1556G>C, p.Ser519Thr (NM_001018037.2, NM_001018038.3, NM_015186.4); short protein forms S519T.
Identifiers: ClinVar variation 2068617 (VCV002068617.4), dbSNP rs1182016581, ClinGen allele CA373845841.
Genomic context (GRCh38, chr9:77,228,225, plus strand): 5'-TTGTTCTAAGAGAAAATCATCAAAAACCTGAGCTGGTAGATATTGTAATAGAAGAATTTA[G>C]CACCTTAATTGTGCAAAGACCAGGAGCACAAGCAATAAAGTAAGTATTAATTTATCTTTT-3'
Protein context (NP_150648.2, residues 509-529): ELVDIVIEEF[Ser519Thr]TLIVQRPGAQ

ClinVar aggregate classification (germline): Uncertain significance (1 of 4 stars; one submission).

Submission:

Labcorp Genetics (formerly Invitae), Labcorp
Classification: Uncertain significance. Last evaluated: 2022-01-01. Review status: criteria provided, single submitter. Criteria: Invitae Variant Classification Sherloc (09022015). Collection method: clinical testing. Allele origin: germline.
Comment: In summary, the available evidence is currently insufficient to determine the role of this variant in disease. Therefore, it has been classified as a Variant of Uncertain Significance. Algorithms developed to predict the effect of missense changes on protein structure and function (SIFT, PolyPhen-2, Align-GVGD) all suggest that this variant is likely to be tolerated. This variant has not been reported in the literature in individuals affected with VPS13A-related conditions. This variant is not present in population databases (gnomAD no frequency). This sequence change replaces serine, which is neutral and polar, with threonine, which is neutral and polar, at codon 519 of the VPS13A protein (p.Ser519Thr).